The following is an entry in ClinVar:

NM_006618.5(KDM5B):c.80T>C (p.Leu27Pro)

Genes: KDM5B (lysine demethylase 5B; minus strand), LOC129932250 (ATAC-STARR-seq lymphoblastoid silent region 1706; plus strand). Cytogenetic location: 1q32.1.
Variant type: single nucleotide variant.
Coding change: c.80T>C on transcript NM_006618.5 (MANE Select); coding-DNA position 80, T replaced by C.
Protein change: p.Leu27Pro; replaces leucine 27 with proline.
Molecular consequence: missense variant.
Genome position (GRCh38, 1-based): chr1:202,808,226, A>G on the plus strand (T>C on the coding strand, the complement: KDM5B is on the minus strand). VCF-style: chr1-202808226-A-G. GRCh37 (hg19) VCF-style: chr1-202777354-A-G.
Other names: c.80T>C, p.Leu27Pro (NM_001314042.2, NM_001347591.2, NM_001399817.1); short protein forms L27P.
Identifiers: ClinVar variation 3379371 (VCV003379371.1).

ClinVar aggregate classification (germline): Likely pathogenic (1 of 4 stars; one submission).

Submission:

Institute of Human Genetics, FAU Erlangen, Friedrich-Alexander-Universität Erlangen-Nürnberg
Classification: Likely pathogenic. Last evaluated: 2024-11-22. Review status: criteria provided, single submitter. Criteria: Hauer et al. (Genet Med. 2018). Collection method: clinical testing. Allele origin: germline. Inheritance: Autosomal dominant inheritance. Affected: yes. Observed: 1 variant allele.
Comment: This variant has been identified by standard clinical testing. Selected ACMG criteria: Likely pathogenic (II):BP4;PM2;PS2